The following is an entry in ClinVar:

ClinVar aggregate classification (germline): Likely pathogenic (0 of 4 stars; one submission).

Conditions:
RBCK1-related disorder. Also called: RBCK1-related condition.

Submission:

PreventionGenetics, part of Exact Sciences
Classification: Likely pathogenic for RBCK1-related condition. Last evaluated: 2024-06-04. Review status: no assertion criteria provided. Collection method: clinical testing. Allele origin: germline.
Comment: The RBCK1 c.583-1G>A variant is predicted to disrupt the AG splice acceptor site and interfere with normal splicing. To our knowledge, this variant has not been reported in the literature or in a large population database, indicating this variant is rare. Variants that disrupt the consensus splice acceptor site in RBCK1 are expected to be pathogenic. This variant is interpreted as likely pathogenic.

NM_031229.4(RBCK1):c.583-1G>A

Gene: RBCK1 (RANBP2-type and C3HC4-type zinc finger containing 1; plus strand). Cytogenetic location: 20p13.
Variant type: single nucleotide variant.
Coding change: c.583-1G>A on transcript NM_031229.4 (MANE Select); the canonical splice acceptor site of the intron before coding-DNA position 583, G replaced by A.
Molecular consequence: splice acceptor variant.
Genome position (GRCh38, 1-based): chr20:419,557, G>A. VCF-style: chr20-419557-G-A. GRCh37 (hg19) VCF-style: chr20-400201-G-A.
Other names: c.634-1G>A (NM_001410770.1); c.234-1G>A (NM_001323956.2, NM_001323958.2); c.457-1G>A (NM_006462.6).
Identifiers: ClinVar variation 3344996 (VCV003344996.1).